The following is an entry in ClinVar:

NM_181458.4(PAX3):c.821G>A (p.Trp274Ter)

Gene: PAX3 (paired box 3; minus strand). Cytogenetic location: 2q36.1.
Variant type: single nucleotide variant.
Coding change: c.821G>A on transcript NM_181458.4 (MANE Select); coding-DNA position 821, G replaced by A.
Protein change: p.Trp274Ter; replaces tryptophan 274 with a stop codon.
Molecular consequence: nonsense.
Genome position (GRCh38, 1-based): chr2:222,221,359, C>T on the plus strand (G>A on the coding strand, the complement: PAX3 is on the minus strand). VCF-style: chr2-222221359-C-T. GRCh37 (hg19) VCF-style: chr2-223086078-C-T.
Other names: c.821G>A, p.Trp274Ter (NM_181457.4, NM_181459.4, NM_181460.4 and 1 more transcripts); c.818G>A, p.Trp273Ter (NM_001127366.3); short protein forms W274*, W273*.
Identifiers: ClinVar variation 620105 (VCV000620105.1), dbSNP rs1559264524, ClinGen allele CA351116713.

ClinVar aggregate classification (germline): Pathogenic (1 of 4 stars; one submission).

Submission:

GeneDx
Classification: Pathogenic. Last evaluated: 2018-09-14. Review status: criteria provided, single submitter. Criteria: GeneDx Variant Classification (06012015). Collection method: clinical testing. Allele origin: germline. Affected: yes.
Comment: The W274X nonsense variant in the PAX3 gene has been reported previously in association with Waardenburg syndrome type 1 (Tassabehji et al., 1995). The variant is not observed in large population cohorts (Lek et al., 2016). This variant is predicted to cause loss of normal protein function either through protein truncation or nonsense-mediated mRNA decay. In summary, we interpret this variant as a pathogenic variant.